The following is an entry in ClinVar:

ClinVar aggregate classification (germline): Uncertain significance (1 of 4 stars; one submission).

Conditions:
Familial thoracic aortic aneurysm and aortic dissection (TAAD). Also called: Thoracic aortic aneurysms and dissections. Identifiers: Orphanet 91387, MedGen C4707243, MONDO:0019625.

Submission:

Color Diagnostics, LLC DBA Color Health
Classification: Uncertain significance for Familial thoracic aortic aneurysm and aortic dissection. Last evaluated: 2024-03-06. Review status: criteria provided, single submitter. Criteria: ACMG Guidelines, 2015. Collection method: clinical testing. Allele origin: germline.
Comment: This missense variant replaces aspartic acid with tyrosine at codon 1764 of the MYH11 protein. Computational prediction tool suggests that this variant may have deleterious impact on protein structure and function (internally defined REVEL score threshold >=0.7, PMID: 27666373). Splice site prediction tools suggest that this variant may not impact RNA splicing. To our knowledge, functional studies have not been performed for this variant. This variant has not been reported in individuals affected with cardiovascular disorders in the literature. This variant has not been identified in the general population by the Genome Aggregation Database (gnomAD). The available evidence is insufficient to determine the role of this variant in disease conclusively. Therefore, this variant is classified as a Variant of Uncertain Significance.

NM_002474.3(MYH11):c.5269G>T (p.Asp1757Tyr)

Genes: MYH11 (myosin heavy chain 11; minus strand), NDE1 (nudE neurodevelopment protein 1; plus strand). Cytogenetic location: 16p13.11.
Variant type: single nucleotide variant.
Coding change: c.5269G>T on transcript NM_002474.3 (MANE Select); coding-DNA position 5269, G replaced by T.
Protein change: p.Asp1757Tyr; replaces aspartic acid 1757 with tyrosine.
Molecular consequence: missense variant. On other transcripts: intron variant (2).
Genome position (GRCh38, 1-based): chr16:15,718,341, C>A on the plus strand (G>T on the coding strand, the complement: MYH11 is on the minus strand). VCF-style: chr16-15718341-C-A. GRCh37 (hg19) VCF-style: chr16-15812198-C-A.
Other names: c.5290G>T, p.Asp1764Tyr (NM_001040113.2, NM_001040114.2); c.5269G>T, p.Asp1757Tyr (NM_022844.3); c.948-5850C>A (NM_001143979.2, NM_017668.3); short protein forms D1764Y, D1757Y.
Identifiers: ClinVar variation 927508 (VCV000927508.4), dbSNP rs752996609, ClinGen allele CA394849907.
Genomic context (GRCh38, chr16:15,718,341, plus strand): 5'-GGCAGCGTGACTGTGGTGTCCAGGCGGCCCTCACCTGCTGTGTGGCTTTGCGGACCCGGT[C>A]GCTCATGGCCTCCATGTTGCCCTGCTCCTCCTCCAGCTCCTCCTCCAGCTGGGCGATCCG-3'
Protein context (NP_002465.1, residues 1747-1767): EEQGNMEAMS[Asp1757Tyr]RVRKATQQAE